The following is an entry in ClinVar:

NM_004667.6(HERC2):c.1002C>T (p.Ser334=)

Gene: HERC2 (HECT and RLD domain containing E3 ubiquitin protein ligase 2; minus strand). Cytogenetic location: 15q13.1.
Variant type: single nucleotide variant.
Coding change: c.1002C>T on transcript NM_004667.6 (MANE Select); coding-DNA position 1002, C replaced by T.
Protein change: p.Ser334=; no amino-acid change (serine 334 retained).
Molecular consequence: synonymous variant.
Genome position (GRCh38, 1-based): chr15:28,272,296, G>A on the plus strand (C>T on the coding strand, the complement: HERC2 is on the minus strand). VCF-style: chr15-28272296-G-A. GRCh37 (hg19) VCF-style: chr15-28517442-G-A.
Identifiers: ClinVar variation 5038937 (VCV005038937.1).

ClinVar aggregate classification (germline): Likely benign (1 of 4 stars; one submission).

gnomAD v4.1: 140 of 1,612,288 alleles (0.0087%); highest among the groups gnomAD compares: Non-Finnish European, 0.01%; no homozygotes.

Submission:

CeGaT Center for Human Genetics Tuebingen
Classification: Likely benign. Last evaluated: 2026-08-01. Review status: criteria provided, single submitter. Criteria: CeGaT Center For Human Genetics Tuebingen Variant Classification Criteria Version 2. Collection method: clinical testing. Allele origin: germline. Affected: yes. Observed: 1 variant allele.
Comment: HERC2: BP4, BP7